The following is an entry in ClinVar:

NM_199420.4(POLQ):c.2189G>T (p.Ser730Ile)

Gene: POLQ (DNA polymerase theta; minus strand). Cytogenetic location: 3q13.33.
Variant type: single nucleotide variant.
Coding change: c.2189G>T on transcript NM_199420.4 (MANE Select); coding-DNA position 2189, G replaced by T.
Protein change: p.Ser730Ile; replaces serine 730 with isoleucine.
Molecular consequence: missense variant.
Genome position (GRCh38, 1-based): chr3:121,496,897, C>A on the plus strand (G>T on the coding strand, the complement: POLQ is on the minus strand). VCF-style: chr3-121496897-C-A. GRCh37 (hg19) VCF-style: chr3-121215744-C-A.
Other names: short protein forms S730I.
Identifiers: ClinVar variation 2625818 (VCV002625818.2), dbSNP rs2048129019, ClinGen allele CA354109276.

ClinVar aggregate classification (germline): Uncertain significance (1 of 4 stars; one submission).

Submission:

Ambry Genetics
Classification: Uncertain significance. Last evaluated: 2023-06-28. Review status: criteria provided, single submitter. Criteria: Ambry Variant Classification Scheme 2023. Collection method: clinical testing. Allele origin: germline.
Comment: The p.S730I variant (also known as c.2189G>T), located in coding exon 14 of the POLQ gene, results from a G to T substitution at nucleotide position 2189. The serine at codon 730 is replaced by isoleucine, an amino acid with dissimilar properties. This amino acid position is conserved. In addition, this alteration is predicted to be tolerated by in silico analysis. Since supporting evidence is limited at this time, the clinical significance of this alteration remains unclear.